The following is an entry in ClinVar:

NM_003743.5(NCOA1):c.1985G>A (p.Gly662Asp)

Gene: NCOA1 (nuclear receptor coactivator 1; plus strand). Cytogenetic location: 2p23.3.
Variant type: single nucleotide variant.
Coding change: c.1985G>A on transcript NM_003743.5 (MANE Select); coding-DNA position 1985, G replaced by A.
Protein change: p.Gly662Asp; replaces glycine 662 with aspartic acid.
Molecular consequence: missense variant.
Genome position (GRCh38, 1-based): chr2:24,707,455, G>A. VCF-style: chr2-24707455-G-A. GRCh37 (hg19) VCF-style: chr2-24930324-G-A.
Other names: c.1985G>A, p.Gly662Asp (NM_001362950.1, NM_001362952.1, NM_001362954.1 and 3 more transcripts); short protein forms G662D.
Identifiers: ClinVar variation 4999301 (VCV004999301.1).

ClinVar aggregate classification (germline): Uncertain significance (1 of 4 stars; one submission).

Conditions:
NCOA1-related disorder. Also called: NCOA1-related condition.

Submission:

PreventionGenetics, part of Exact Sciences
Classification: Uncertain significance for NCOA1-related condition. Last evaluated: 2025-05-21. Review status: criteria provided, single submitter. Criteria: ACMG Guidelines, 2015. Collection method: clinical testing. Allele origin: germline.
Comment: The NCOA1 c.1985G>A variant is predicted to result in the amino acid substitution p.Gly662Asp. To our knowledge, this variant has not been reported in the literature or in a large population database (gnomAD), indicating this variant is rare. At this time, the clinical significance of this variant is uncertain due to the absence of conclusive functional and genetic evidence.